The following is an entry in ClinVar:

ClinVar aggregate classification (germline): Likely benign (1 of 4 stars; one submission).

gnomAD v4.1: 942 of 1,613,416 alleles (0.058%); highest among the groups gnomAD compares: African/African-American, 0.98%; 3 homozygotes.

Submission:

CeGaT Center for Human Genetics Tuebingen
Classification: Likely benign. Last evaluated: 2025-10-01. Review status: criteria provided, single submitter. Criteria: CeGaT Center For Human Genetics Tuebingen Variant Classification Criteria Version 2. Collection method: clinical testing. Allele origin: germline. Affected: yes. Observed: 1 variant allele.
Comment: DST: BP4

NM_001374736.1(DST):c.7009A>G (p.Ser2337Gly)

Gene: DST (dystonin; minus strand). Cytogenetic location: 6p12.1.
Variant type: single nucleotide variant.
Coding change: c.7009A>G on transcript NM_001374736.1 (MANE Select); coding-DNA position 7009, A replaced by G.
Protein change: p.Ser2337Gly; replaces serine 2337 with glycine.
Molecular consequence: missense variant. On other transcripts: intron variant (6).
Genome position (GRCh38, 1-based): chr6:56,607,619, T>C on the plus strand (A>G on the coding strand, the complement: DST is on the minus strand). VCF-style: chr6-56607619-T-C. GRCh37 (hg19) VCF-style: chr6-56472417-T-C.
Other names: c.7009A>G, p.Ser2337Gly (NM_001374722.1); c.6376A>G, p.Ser2126Gly (NM_001374729.1); c.7036A>G, p.Ser2346Gly (NM_001374734.1); c.5184+2808A>G (NM_001144769.5); c.4770+2808A>G (NM_001144770.2); c.4650+2808A>G (NM_001374730.1, NM_001386100.1, NM_183380.4); c.3672+2808A>G (NM_015548.5); short protein forms S2126G, S2337G, S2346G.
Identifiers: ClinVar variation 4533928 (VCV004533928.6).